The following is an entry in ClinVar:

NM_000245.4(MET):c.18G>A (p.Val6=)

Gene: MET (MET proto-oncogene, receptor tyrosine kinase; plus strand). Cytogenetic location: 7q31.2.
Variant type: single nucleotide variant.
Coding change: c.18G>A on transcript NM_000245.4 (MANE Select); coding-DNA position 18, G replaced by A.
Protein change: p.Val6=; no amino-acid change (valine 6 retained).
Molecular consequence: synonymous variant. On other transcripts: intron variant (1).
Genome position (GRCh38, 1-based): chr7:116,699,102, G>A. VCF-style: chr7-116699102-G-A. GRCh37 (hg19) VCF-style: chr7-116339156-G-A.
Other names: c.18G>A, p.Val6= (NM_001127500.3, NM_001324401.3); c.-91+26525G>A (NM_001324402.2).
Identifiers: ClinVar variation 3773338 (VCV003773338.2).

ClinVar aggregate classification (germline): Benign/Likely benign. Review status: criteria provided, multiple submitters, no conflicts (2 of 4 stars). 2 submissions from 2 submitters: Benign (1); Likely benign (1). Last evaluated 2025-11-15.

Conditions:
Hereditary cancer-predisposing syndrome. Also called: Neoplastic Syndromes, Hereditary; Tumor predisposition; Hereditary Cancer Syndrome; Hereditary neoplastic syndrome. Identifiers: Orphanet 140162, MedGen C0027672, MeSH D009386, MONDO:0015356.
Papillary renal cell carcinoma type 1 (RCCP1). Also called: Renal adenocarcinoma; Renal cell carcinoma 1; Renal cell carcinoma, somatic; RENAL CELL CARCINOMA, PAPILLARY, 1, SOMATIC. Identifiers: Orphanet 47044, MedGen C1336839, OMIM 605074, HP:0011797.

Submissions (2):

Ambry Genetics
Classification: Likely benign for Hereditary cancer-predisposing syndrome. Last evaluated: 2025-11-15. Review status: criteria provided, single submitter. Criteria: Ambry Variant Classification Scheme 2023. Collection method: clinical testing. Allele origin: germline.

Myriad Genetics, Inc.
Classification: Benign for Papillary renal cell carcinoma type 1. Last evaluated: 2024-11-05. Review status: criteria provided, single submitter. Criteria: Myriad Autosomal Dominant, Autosomal Recessive and X-Linked Classification Criteria (2023). Collection method: clinical testing. Allele origin: unknown.
Comment: This variant is considered benign. This variant is a silent/synonymous amino acid change and it is not expected to impact splicing.